The following is an entry in ClinVar:

NM_031475.3(ESPN):c.570C>T (p.Tyr190=)

Gene: ESPN (espin; plus strand). Cytogenetic location: 1p36.31.
Variant type: single nucleotide variant.
Coding change: c.570C>T on transcript NM_031475.3 (MANE Select); coding-DNA position 570, C replaced by T.
Protein change: p.Tyr190=; no amino-acid change (tyrosine 190 retained).
Molecular consequence: synonymous variant.
Genome position (GRCh38, 1-based): chr1:6,440,335, C>T. VCF-style: chr1-6440335-C-T. GRCh37 (hg19) VCF-style: chr1-6500395-C-T.
Other names: c.570C>T, p.Tyr190= (NM_001367473.1, NM_001367474.1).
Identifiers: ClinVar variation 514415 (VCV000514415.15), dbSNP rs764920815, ClinGen allele CA559932.

ClinVar aggregate classification (germline): Likely benign. Review status: criteria provided, multiple submitters, no conflicts (2 of 4 stars). 4 submissions from 4 submitters: Likely benign (4). Last evaluated 2026-04-27.

Conditions:
ESPN-related disorder. Also called: ESPN-related condition.

Allele frequency attached by ClinVar (database versions not stated): gnomAD exomes 0.00001; TOPMed 0.00005; gnomAD 0.00006 and 0.00007; ExAC 0.00017.
gnomAD v4.1: 50 of 1,580,392 alleles (0.0032%); highest among the groups gnomAD compares: East Asian, 0.021%; no homozygotes.

Submissions (4):

PreventionGenetics, part of Exact Sciences
Classification: Likely benign for ESPN-related condition. Last evaluated: 2026-04-27. Review status: criteria provided, single submitter. Criteria: ACMG Guidelines, 2015. Collection method: clinical testing. Allele origin: germline.
Comment: This variant is classified as likely benign based on ACMG/AMP sequence variant interpretation guidelines (Richards et al. 2015 PMID: 25741868, with internal and published modifications).

Labcorp Genetics (formerly Invitae), Labcorp
Classification: Likely benign. Last evaluated: 2026-01-05. Review status: criteria provided, single submitter. Criteria: Invitae Variant Classification Sherloc (09022015). Collection method: clinical testing. Allele origin: germline.

Blueprint Genetics
Classification: Likely benign. Last evaluated: 2024-10-24. Review status: criteria provided, single submitter. Criteria: ACMG Guidelines, 2015. Collection method: clinical testing. Allele origin: germline.

GeneDx
Classification: Likely benign. Last evaluated: 2020-12-31. Review status: criteria provided, single submitter. Criteria: GeneDx Variant Classification Process June 2021. Collection method: clinical testing. Allele origin: germline. Affected: yes.